The following is an entry in ClinVar:

ClinVar aggregate classification (germline): Pathogenic (1 of 4 stars; one submission).

Conditions:
Congenital muscular dystrophy due to integrin alpha-7 deficiency. Also called: Congenital muscular dystrophy with integrin alpha-7 deficiency; Muscular dystrophy, congenital, due to ITGA7 deficiency; MYOPATHY, CONGENITAL, DUE TO INTEGRIN ALPHA-7 DEFICIENCY. Identifiers: Orphanet 34520, MedGen C2750786, MONDO:0013177, OMIM 613204.

Submission:

Labcorp Genetics (formerly Invitae), Labcorp
Classification: Pathogenic for Congenital muscular dystrophy due to integrin alpha-7 deficiency. Last evaluated: 2025-12-01. Review status: criteria provided, single submitter. Criteria: Invitae Variant Classification Sherloc (09022015). Collection method: clinical testing. Allele origin: germline.
Comment: This sequence change creates a premature translational stop signal (p.Leu904Trpfs*88) in the ITGA7 gene. It is expected to result in an absent or disrupted protein product. Loss-of-function variants in ITGA7 are known to be pathogenic (PMID: 9590299). This variant is not present in population databases (gnomAD no frequency). This variant has not been reported in the literature in individuals affected with ITGA7-related conditions. ClinVar contains an entry for this variant (Variation ID: 1949025). For these reasons, this variant has been classified as Pathogenic.

Literature cited by the submitters: PubMed 9590299.

NM_002206.3(ITGA7):c.2710del (p.Leu904fs)

Gene: ITGA7 (integrin subunit alpha 7; minus strand). Cytogenetic location: 12q13.2.
Variant type: Deletion.
Coding change: c.2710del on transcript NM_002206.3 (MANE Select); coding-DNA position 2710, one base deleted (C; older notation c.2710delC).
Protein change: p.Leu904fs; shifts the reading frame from leucine 904.
Molecular consequence: frameshift variant.
Genome position (GRCh38, 1-based): chr12:55,693,143, G deleted on the plus strand (C on the coding strand, the reverse complement: ITGA7 is on the minus strand); the first of 2 consecutive G bases (chr12:55,693,143-55,693,144); deleting either gives the same sequence. VCF-style (leftmost placement, unchanged base first): chr12-55693142-AG-A. GRCh37 (hg19) VCF-style: chr12-56086926-AG-A.
Other names: c.2722del, p.Leu908fs (NM_001144996.2); c.2430delC, p.Leu811Trpfs (NM_001144997.2); c.2383del, p.Leu795fs (NM_001367993.1); c.1366del, p.Leu456fs (NM_001367994.1); c.2692del, p.Leu898fs (NM_001374465.1); c.2841delC, p.Leu948Trpfs (NM_001410977.1); c.2703delC, p.Leu902Trpfs (NM_001414029.1); c.2634delC, p.Leu879Trpfs (NM_001414030.1); and 5 more; short protein forms L904fs, L795fs, L898fs, L908fs, L456fs, L811fs.
Identifiers: ClinVar variation 1949025 (VCV001949025.5), dbSNP rs2539706898, ClinGen allele CA2575182669.